The following is an entry in ClinVar:

NM_003954.5(MAP3K14):c.61_73del (p.Glu21fs)

Gene: MAP3K14 (mitogen-activated protein kinase kinase kinase 14; minus strand). Cytogenetic location: 17q21.31.
Variant type: Deletion.
Coding change: c.61_73del on transcript NM_003954.5 (MANE Select); coding-DNA positions 61 to 73, 13 bases deleted (GAACTCCCCAAAG).
Protein change: p.Glu21fs; shifts the reading frame from glutamic acid 21.
Molecular consequence: frameshift variant.
Genome position (GRCh38, 1-based): chr17:45,290,673-45,290,685, CTTTGGGGAGTTC deleted on the plus strand (GAACTCCCCAAAG on the coding strand, the reverse complement: MAP3K14 is on the minus strand); deleting any 13 consecutive bases within chr17:45,290,673-45,290,688 gives the same sequence; the c. name uses the placement nearest the transcript's 3' end. VCF-style (leftmost placement, unchanged base first): chr17-45290672-GCTTTGGGGAGTTC-G. GRCh37 (hg19) VCF-style: chr17-43368038-GCTTTGGGGAGTTC-G.
Other names: short protein forms E21fs.
Identifiers: ClinVar variation 2028827 (VCV002028827.4), dbSNP rs2509031235, ClinGen allele CA2580093947.

ClinVar aggregate classification (germline): Uncertain significance (1 of 4 stars; one submission).

Conditions:
NIK deficiency. Also called: Primary immunodeficiency with multifaceted aberrant lymphoid immunity. Identifiers: Orphanet 447731, MedGen C5680065, MONDO:0018642.

Submission:

Labcorp Genetics (formerly Invitae), Labcorp
Classification: Uncertain significance for NIK deficiency. Last evaluated: 2022-09-29. Review status: criteria provided, single submitter. Criteria: Invitae Variant Classification Sherloc (09022015). Collection method: clinical testing. Allele origin: germline.
Comment: This sequence change creates a premature translational stop signal (p.Glu21Profs*34) in the MAP3K14 gene. It is expected to result in an absent or disrupted protein product. However, the current clinical and genetic evidence is not sufficient to establish whether loss-of-function variants in MAP3K14 cause disease. This variant is not present in population databases (gnomAD no frequency). This variant has not been reported in the literature in individuals affected with MAP3K14-related conditions. In summary, the available evidence is currently insufficient to determine the role of this variant in disease. Therefore, it has been classified as a Variant of Uncertain Significance.